The following is an entry in ClinVar:

NM_004304.5(ALK):c.1682G>C (p.Arg561Thr)

Gene: ALK (ALK receptor tyrosine kinase; minus strand). Cytogenetic location: 2p23.2.
Variant type: single nucleotide variant.
Coding change: c.1682G>C on transcript NM_004304.5 (MANE Select); coding-DNA position 1682, G replaced by C.
Protein change: p.Arg561Thr; replaces arginine 561 with threonine.
Molecular consequence: missense variant.
Genome position (GRCh38, 1-based): chr2:29,297,023, C>G on the plus strand (G>C on the coding strand, the complement: ALK is on the minus strand). VCF-style: chr2-29297023-C-G. GRCh37 (hg19) VCF-style: chr2-29519889-C-G.
Other names: short protein forms R561T.
Identifiers: ClinVar variation 954227 (VCV000954227.10), dbSNP rs1666207256, ClinGen allele CA346466574.
Genomic context (GRCh38, chr2:29,297,023, plus strand): 5'-ACCATCCTGCCTTGCTCCTTCCCGGTTTTGTTCTCCACTAGCACCAAGGACACGTTTCCC[C>G]TCAAGACTCCACGAATGAGCCAGGACATTCGGAGCTGTGAGGGCGAGAAGAGTCAGAGGA-3'
Protein context (NP_004295.2, residues 551-571): RMSWLIRGVL[Arg561Thr]GNVSLVLVEN

ClinVar aggregate classification (germline): Uncertain significance. Review status: criteria provided, multiple submitters, no conflicts (2 of 4 stars). 2 submissions from 2 submitters: Uncertain significance (2). Last evaluated 2024-08-01.

Conditions:
Neuroblastoma, susceptibility to, 3. Also called: ALK-Related Neuroblastic Tumor Susceptibility. Identifiers: Orphanet 635, MedGen C2751681, MONDO:0013083, OMIM 613014.
Hereditary cancer-predisposing syndrome. Also called: Hereditary neoplastic syndrome; Tumor predisposition; Neoplastic Syndromes, Hereditary; Hereditary Cancer Syndrome. Identifiers: Orphanet 140162, MedGen C0027672, MeSH D009386, MONDO:0015356.

gnomAD v4.1: 1 of 1,614,214 alleles (0.000062%); highest among the groups gnomAD compares: Non-Finnish European, 0.000085%; no homozygotes.

Submissions (2):

Ambry Genetics
Classification: Uncertain significance for Hereditary cancer-predisposing syndrome. Last evaluated: 2024-08-01. Review status: criteria provided, single submitter. Criteria: Ambry Variant Classification Scheme 2023. Collection method: clinical testing. Allele origin: germline.
Comment: The p.R561T variant (also known as c.1682G>C), located in coding exon 9 of the ALK gene, results from a G to C substitution at nucleotide position 1682. The arginine at codon 561 is replaced by threonine, an amino acid with similar properties. This amino acid position is conserved. In addition, this alteration is predicted to be tolerated by in silico analysis. Based on the available evidence, the clinical significance of this variant remains unclear.

Labcorp Genetics (formerly Invitae), Labcorp
Classification: Uncertain significance for Neuroblastoma, susceptibility to, 3. Last evaluated: 2020-09-11. Review status: criteria provided, single submitter. Criteria: Invitae Variant Classification Sherloc (09022015). Collection method: clinical testing. Allele origin: germline.
Comment: This sequence change replaces arginine with threonine at codon 561 of the ALK protein (p.Arg561Thr). The arginine residue is weakly conserved and there is a moderate physicochemical difference between arginine and threonine. In summary, the available evidence is currently insufficient to determine the role of this variant in disease. Therefore, it has been classified as a Variant of Uncertain Significance. Algorithms developed to predict the effect of missense changes on protein structure and function (SIFT, PolyPhen-2, Align-GVGD) all suggest that this variant is likely to be tolerated, but these predictions have not been confirmed by published functional studies and their clinical significance is uncertain. This variant has not been reported in the literature in individuals with ALK-related conditions. This variant is not present in population databases (ExAC no frequency).